The following is an entry in ClinVar:

NM_021728.4(OTX2):c.640A>G (p.Thr214Ala)

Gene: OTX2 (orthodenticle homeobox 2; minus strand). Cytogenetic location: 14q22.3.
Variant type: single nucleotide variant.
Coding change: c.640A>G on transcript NM_021728.4 (MANE Select); coding-DNA position 640, A replaced by G.
Protein change: p.Thr214Ala; replaces threonine 214 with alanine.
Molecular consequence: missense variant. On other transcripts: non-coding transcript variant (2).
Genome position (GRCh38, 1-based): chr14:56,801,989, T>C on the plus strand (A>G on the coding strand, the complement: OTX2 is on the minus strand). VCF-style: chr14-56801989-T-C. GRCh37 (hg19) VCF-style: chr14-57268707-T-C.
Other names: c.616A>G, p.Thr206Ala (NM_001270523.2, NM_001270524.2, NM_172337.3); c.640A>G, p.Thr214Ala (NM_001270525.2); short protein forms T206A, T214A.
Identifiers: ClinVar variation 1995673 (VCV001995673.4), dbSNP rs1891900077, ClinGen allele CA390051429.

ClinVar aggregate classification (germline): Uncertain significance (1 of 4 stars; one submission).

Conditions:
Anophthalmia-microphthalmia syndrome. Also called: Anophthalmia - microphthalmia; Anophthalmia/Microphthalmia. Identifiers: Orphanet 98555, MedGen C5680330, MONDO:0020147.

Allele frequency attached by ClinVar (database versions not stated): gnomAD 0.00001.
gnomAD v4.1: 1 of 1,613,668 alleles (0.000062%); highest among the groups gnomAD compares: Admixed American, 0.0017%; no homozygotes.

Submission:

Labcorp Genetics (formerly Invitae), Labcorp
Classification: Uncertain significance for Anophthalmia-microphthalmia syndrome. Last evaluated: 2022-05-20. Review status: criteria provided, single submitter. Criteria: Invitae Variant Classification Sherloc (09022015). Collection method: clinical testing. Allele origin: germline.
Comment: This sequence change replaces threonine, which is neutral and polar, with alanine, which is neutral and non-polar, at codon 206 of the OTX2 protein (p.Thr206Ala). This variant is not present in population databases (gnomAD no frequency). This variant has not been reported in the literature in individuals affected with OTX2-related conditions. Algorithms developed to predict the effect of missense changes on protein structure and function (SIFT, PolyPhen-2, Align-GVGD) all suggest that this variant is likely to be tolerated. In summary, the available evidence is currently insufficient to determine the role of this variant in disease. Therefore, it has been classified as a Variant of Uncertain Significance.